The following is an entry in ClinVar:

ClinVar aggregate classification (germline): Benign. Review status: criteria provided, multiple submitters, no conflicts (2 of 4 stars). 12 submissions from 11 submitters: Benign (12). Last evaluated 2026-02-03.

Conditions:
Basal cell carcinoma, susceptibility to, 1. Also called: BCC1. Identifiers: MedGen C2751544, MONDO:0011556, OMIM 605462.
Basal cell nevus syndrome 1 (BCNS1). Also called: GORLIN-GOLTZ SYNDROME; MULTIPLE BASAL CELL NEVI, ODONTOGENIC KERATOCYSTS, AND SKELETAL ANOMALIES. Identifiers: MedGen CN376810, MONDO:0958174, OMIM 109400.
Holoprosencephaly 7 (HPE7). Identifiers: Orphanet 2162, MedGen C1835820, MONDO:0012562, OMIM 610828.
Hereditary cancer-predisposing syndrome. Also called: Tumor predisposition; Hereditary neoplastic syndrome; Neoplastic Syndromes, Hereditary; Hereditary Cancer Syndrome. Identifiers: Orphanet 140162, MedGen C0027672, MeSH D009386, MONDO:0015356.
Gorlin syndrome. Also called: Nevoid Basal Cell Carcinoma Syndrome; Basal cell nevus syndrome. Identifiers: Orphanet 377, MedGen C0004779, MONDO:0007187.

Allele frequency attached by ClinVar (database versions not stated): gnomAD exomes 0.00221 and 0.00084; ExAC 0.00271; gnomAD 0.00853 and 0.00887; TOPMed 0.00928; ESP Exome Variant Server 0.01023; 1000 Genomes Project 0.01078; 1000 Genomes Project 30x 0.01140.

Submissions (12):

Labcorp Genetics (formerly Invitae), Labcorp
Classification: Benign for Gorlin syndrome. Last evaluated: 2026-02-03. Review status: criteria provided, single submitter. Criteria: Invitae Variant Classification Sherloc (09022015). Collection method: clinical testing. Allele origin: germline.

Quest Diagnostics Nichols Institute San Juan Capistrano
Classification: Benign. Last evaluated: 2025-07-30. Review status: criteria provided, single submitter. Criteria: Quest Diagnostics criteria. Collection method: clinical testing. Allele origin: unknown.

Center for Genomic Medicine, Rigshospitalet, Copenhagen University Hospital
Classification: Benign. Last evaluated: 2025-03-04. Review status: criteria provided, single submitter. Criteria: ACMG Guidelines, 2015. Collection method: clinical testing. Allele origin: germline.

KCCC/NGS Laboratory, Kuwait Cancer Control Center
Classification: Benign for Basal cell nevus syndrome 1. Last evaluated: 2023-07-07. Review status: criteria provided, single submitter. Criteria: ACMG Guidelines, 2015. Collection method: clinical testing. Allele origin: germline. Affected: yes.

Women's Health and Genetics/Laboratory Corporation of America, LabCorp
Classification: Benign. Last evaluated: 2023-04-22. Review status: criteria provided, single submitter. Criteria: LabCorp Variant Classification Summary - May 2015. Collection method: clinical testing. Allele origin: germline.

Department of Pathology and Laboratory Medicine, Sinai Health System
Classification: Benign for Basal cell nevus syndrome 1; Basal cell carcinoma, susceptibility to, 1; Holoprosencephaly 7. Last evaluated: 2021-10-26. Review status: criteria provided, single submitter. Criteria: ACMG Guidelines, 2015. Collection method: clinical testing. Allele origin: germline. Affected: yes.

Ambry Genetics
Classification: Benign for Hereditary cancer-predisposing syndrome. Last evaluated: 2018-01-29. Review status: criteria provided, single submitter. Criteria: Ambry Variant Classification Scheme 2023. Collection method: clinical testing. Allele origin: germline.

Illumina Laboratory Services, Illumina
Classification: Benign for Basal cell nevus syndrome 1. Last evaluated: 2018-01-13. Review status: criteria provided, single submitter. Criteria: ICSL Variant Classification Criteria 13 December 2019. Collection method: clinical testing. Allele origin: germline.
Comment: This variant was observed in the ICSL laboratory as part of a predisposition screen in an ostensibly healthy population. It had not been previously curated by ICSL or reported in the Human Gene Mutation Database (HGMD: prior to June 1st, 2018), and was therefore a candidate for classification through an automated scoring system. Utilizing variant allele frequency, disease prevalence and penetrance estimates, and inheritance mode, an automated score was calculated to assess if this variant is too frequent to cause the disease. Based on the score and internal cut-off values, a variant classified as benign is not then subjected to further curation. The score for this variant resulted in a classification of benign for this disease.

Illumina Laboratory Services, Illumina
Classification: Benign for Holoprosencephaly 7. Last evaluated: 2018-01-13. Review status: criteria provided, single submitter. Criteria: ICSL Variant Classification Criteria 13 December 2019. Collection method: clinical testing. Allele origin: germline.
Comment: the same text as in the submission from Illumina Laboratory Services, Illumina above.

GeneDx
Classification: Benign. Last evaluated: 2015-03-03. Review status: criteria provided, single submitter. Criteria: GeneDx Variant Classification Process June 2021. Collection method: clinical testing. Allele origin: germline. Affected: yes.

Breakthrough Genomics
Classification: Benign. Review status: criteria provided, single submitter. Criteria: ACMG Guidelines, 2015. Collection method: not provided. Allele origin: germline. Inheritance: Autosomal dominant inheritance. Affected: yes.

PreventionGenetics, part of Exact Sciences
Classification: Benign. Review status: criteria provided, single submitter. Criteria: ACMG Guidelines, 2015. Collection method: clinical testing. Allele origin: germline.

NM_000264.5(PTCH1):c.1854C>T (p.Cys618=)

Genes: PTCH1 (patched 1; minus strand), LOC100507346 (uncharacterized LOC100507346; plus strand). Cytogenetic location: 9q22.32.
Variant type: single nucleotide variant.
Coding change: c.1854C>T on transcript NM_000264.5 (MANE Select); coding-DNA position 1854, C replaced by T.
Protein change: p.Cys618=; no amino-acid change (cysteine 618 retained).
Molecular consequence: synonymous variant. On other transcripts: non-coding transcript variant (2).
Genome position (GRCh38, 1-based): chr9:95,469,147, G>A on the plus strand (C>T on the coding strand, the complement: PTCH1 is on the minus strand). VCF-style: chr9-95469147-G-A. GRCh37 (hg19) VCF-style: chr9-98231429-G-A.
Other names: c.1656C>T, p.Cys552= (NM_001083602.3); c.1851C>T, p.Cys617= (NM_001083603.3); c.1401C>T, p.Cys467= (NM_001083604.3, NM_001083605.3, NM_001083606.3 and 1 more transcripts); c.1698C>T, p.Cys566= (NM_001354918.2).
Identifiers: ClinVar variation 221098 (VCV000221098.28), dbSNP rs62637628, ClinGen allele CA349011.